The following is an entry in ClinVar:

ClinVar aggregate classification (germline): Likely benign (1 of 4 stars; one submission).

Allele frequency attached by ClinVar (database versions not stated): gnomAD exomes below 0.00001.
gnomAD v4.1: 2 of 1,591,266 alleles (0.00013%); highest among the groups gnomAD compares: Non-Finnish European, 0.00017%; no homozygotes.

Submission:

CeGaT Center for Human Genetics Tuebingen
Classification: Likely benign. Last evaluated: 2023-12-01. Review status: criteria provided, single submitter. Criteria: CeGaT Center For Human Genetics Tuebingen Variant Classification Criteria Version 2. Collection method: clinical testing. Allele origin: germline. Affected: yes. Observed: 1 variant allele.
Comment: SMPD4: PM2:Supporting, BP4, BP7

NM_017951.5(SMPD4):c.2301C>T (p.Pro767=)

Gene: SMPD4 (sphingomyelin phosphodiesterase 4; minus strand). Cytogenetic location: 2q21.1.
Variant type: single nucleotide variant.
Coding change: c.2301C>T on transcript NM_017951.5 (MANE Select); coding-DNA position 2301, C replaced by T.
Protein change: p.Pro767=; no amino-acid change (proline 767 retained).
Molecular consequence: synonymous variant. On other transcripts: non-coding transcript variant (2).
Genome position (GRCh38, 1-based): chr2:130,152,738, G>A on the plus strand (C>T on the coding strand, the complement: SMPD4 is on the minus strand). VCF-style: chr2-130152738-G-A. GRCh37 (hg19) VCF-style: chr2-130910311-G-A.
Other names: c.2112C>T, p.Pro704= (NM_001171083.2); c.2331C>T, p.Pro777= (NM_017751.4).
Identifiers: ClinVar variation 3026067 (VCV003026067.22), dbSNP rs2467138503, ClinGen allele CA428883018.